The following is an entry in ClinVar:

NM_138477.4(CDAN1):c.2725G>A (p.Gly909Arg)

Gene: CDAN1 (codanin 1; minus strand). Cytogenetic location: 15q15.2.
Variant type: single nucleotide variant.
Coding change: c.2725G>A on transcript NM_138477.4 (MANE Select); coding-DNA position 2725, G replaced by A.
Protein change: p.Gly909Arg; replaces glycine 909 with arginine.
Molecular consequence: missense variant.
Genome position (GRCh38, 1-based): chr15:42,728,731, C>T on the plus strand (G>A on the coding strand, the complement: CDAN1 is on the minus strand). VCF-style: chr15-42728731-C-T. GRCh37 (hg19) VCF-style: chr15-43020929-C-T.
Other names: short protein forms G909R.
Identifiers: ClinVar variation 888270 (VCV000888270.32), dbSNP rs745824109, ClinGen allele CA7515493.

ClinVar aggregate classification (germline): Uncertain significance. Review status: criteria provided, multiple submitters, no conflicts (2 of 4 stars). 3 submissions from 3 submitters: Uncertain significance (3). Last evaluated 2022-09-01.

Conditions:
Congenital dyserythropoietic anemia, type I. Also called: Dyserythropoietic anemia, congenital type 1. Identifiers: Orphanet 98869, MedGen C0271933, MONDO:0020337. Disease mechanism: loss of function.

Allele frequency attached by ClinVar (database versions not stated): gnomAD 0.00001; gnomAD exomes 0.00001 and 0.00002; TOPMed 0.00001; ExAC 0.00002.
gnomAD v4.1: 20 of 1,614,088 alleles (0.0012%); highest among the groups gnomAD compares: Middle Eastern, 0.016%; no homozygotes.

Submissions (3):

CeGaT Center for Human Genetics Tuebingen
Classification: Uncertain significance. Last evaluated: 2022-09-01. Review status: criteria provided, single submitter. Criteria: CeGaT Center For Human Genetics Tuebingen Variant Classification Criteria Version 2. Collection method: clinical testing. Allele origin: germline. Affected: yes. Observed: 1 variant allele.

Labcorp Genetics (formerly Invitae), Labcorp
Classification: Uncertain significance. Last evaluated: 2022-06-09. Review status: criteria provided, single submitter. Criteria: Invitae Variant Classification Sherloc (09022015). Collection method: clinical testing. Allele origin: germline.
Comment: This sequence change replaces glycine, which is neutral and non-polar, with arginine, which is basic and polar, at codon 909 of the CDAN1 protein (p.Gly909Arg). In summary, the available evidence is currently insufficient to determine the role of this variant in disease. Therefore, it has been classified as a Variant of Uncertain Significance. Algorithms developed to predict the effect of missense changes on protein structure and function output the following: SIFT: "Tolerated"; PolyPhen-2: "Possibly Damaging"; Align-GVGD: "Class C0". The arginine amino acid residue is found in multiple mammalian species, which suggests that this missense change does not adversely affect protein function. ClinVar contains an entry for this variant (Variation ID: 888270). This variant has not been reported in the literature in individuals affected with CDAN1-related conditions. This variant is present in population databases (rs745824109, gnomAD 0.003%).

Illumina Laboratory Services, Illumina
Classification: Uncertain significance for Anemia, congenital dyserythropoietic, type 1a. Last evaluated: 2018-01-12. Review status: criteria provided, single submitter. Criteria: ICSL Variant Classification Criteria 13 December 2019. Collection method: clinical testing. Allele origin: germline.